The following is an entry in ClinVar:

ClinVar aggregate classification (germline): Uncertain significance. Review status: criteria provided, multiple submitters, no conflicts (2 of 4 stars). 3 submissions from 3 submitters: Uncertain significance (3). Last evaluated 2026-04-14.

Conditions:
Cardiovascular phenotype. Identifiers: MedGen CN230736.
Dilated cardiomyopathy 1KK (CMD1KK). Identifiers: Orphanet 154, Orphanet 75249, MedGen C3714995, MONDO:0014100, OMIM 615248.

Allele frequency attached by ClinVar (database versions not stated): TOPMed below 0.00001; gnomAD 0.00001; gnomAD exomes 0.00001.
gnomAD v4.1: 5 of 1,614,058 alleles (0.00031%); highest among the groups gnomAD compares: Admixed American, 0.0083%; no homozygotes.

Submissions (3):

GeneDx
Classification: Uncertain significance. Last evaluated: 2026-04-14. Review status: criteria provided, single submitter. Criteria: GeneDx Variant Classification Process June 2021. Collection method: clinical testing. Allele origin: germline.
Comment: Not observed at significant frequency in large population cohorts (gnomAD); In silico analysis supports that this missense variant has a deleterious effect on protein structure/function; Has not been previously published as pathogenic or benign to our knowledge

Labcorp Genetics (formerly Invitae), Labcorp
Classification: Uncertain significance for Dilated cardiomyopathy 1KK. Last evaluated: 2022-07-28. Review status: criteria provided, single submitter. Criteria: Invitae Variant Classification Sherloc (09022015). Collection method: clinical testing. Allele origin: germline.
Comment: This sequence change replaces serine, which is neutral and polar, with phenylalanine, which is neutral and non-polar, at codon 740 of the MYPN protein (p.Ser740Phe). This variant is present in population databases (no rsID available, gnomAD 0.01%). This variant has not been reported in the literature in individuals affected with MYPN-related conditions. Algorithms developed to predict the effect of missense changes on protein structure and function are either unavailable or do not agree on the potential impact of this missense change (SIFT: "Deleterious"; PolyPhen-2: "Benign"; Align-GVGD: "Class C0"). In summary, the available evidence is currently insufficient to determine the role of this variant in disease. Therefore, it has been classified as a Variant of Uncertain Significance.

Ambry Genetics
Classification: Uncertain significance for Cardiovascular phenotype. Last evaluated: 2019-06-27. Review status: criteria provided, single submitter. Criteria: Ambry Variant Classification Scheme 2023. Collection method: clinical testing. Allele origin: germline.
Comment: The p.S740F variant (also known as c.2219C>T), located in coding exon 10 of the MYPN gene, results from a C to T substitution at nucleotide position 2219. The serine at codon 740 is replaced by phenylalanine, an amino acid with highly dissimilar properties. This amino acid position is well conserved in available vertebrate species. In addition, this alteration is predicted to be tolerated by in silico analysis. Since supporting evidence is limited at this time, the clinical significance of this alteration remains unclear.

NM_032578.4(MYPN):c.2219C>T (p.Ser740Phe)

Gene: MYPN (myopalladin; plus strand). Cytogenetic location: 10q21.3.
Variant type: single nucleotide variant.
Coding change: c.2219C>T on transcript NM_032578.4 (MANE Select); coding-DNA position 2219, C replaced by T.
Protein change: p.Ser740Phe; replaces serine 740 with phenylalanine.
Molecular consequence: missense variant. On other transcripts: non-coding transcript variant (2).
Genome position (GRCh38, 1-based): chr10:68,174,311, C>T. VCF-style: chr10-68174311-C-T. GRCh37 (hg19) VCF-style: chr10-69934068-C-T.
Other names: c.2219C>T, p.Ser740Phe (NM_001256267.2); c.1337C>T, p.Ser446Phe (NM_001256268.2); short protein forms S446F, S740F.
Identifiers: ClinVar variation 1787885 (VCV001787885.8), dbSNP rs1392516264, ClinGen allele CA376845464.